The following is an entry in ClinVar:

ClinVar aggregate classification (germline): Likely pathogenic (1 of 4 stars; one submission).

Conditions:
Sifrim-Hitz-Weiss syndrome (SIHIWES). Also called: CHD4 Neurodevelopmental Disorder; SIFRIM-HITZ-WEISS MULTIPLE CONGENITAL ANOMALIES-MENTAL RETARDATION SYNDROME. Identifiers: Orphanet 653712, MedGen C4310688, MONDO:0014946, OMIM 617159.

Submission:

Molecular Genetics Laboratory, Motol Hospital
Classification: Likely pathogenic for Sifrim-Hitz-Weiss syndrome. Last evaluated: 2024-11-06. Review status: criteria provided, single submitter. Criteria: ACMG Guidelines, 2015. Collection method: clinical testing. Allele origin: de novo. Affected: yes. Observed: 1 variant allele.
Comment: cryptochism. The variant was confirmed to be of a de novo origin. Rare missense variants affecting the CHD4 gene are well documented as a molecular cause of Sifrim-Hitz-Weiss syndrome (OMIM:617159) (PMID:27479907;27616479). To conclude, the variant is classified as likely pathogenic (ACMG PM2, PS2, PP2).

Literature cited by the submitters: PubMed 27479907; PubMed 27616479.

NM_001273.5(CHD4):c.773G>A (p.Arg258His)

Gene: CHD4 (chromodomain helicase DNA binding protein 4; minus strand). Cytogenetic location: 12p13.31.
Variant type: single nucleotide variant.
Coding change: c.773G>A on transcript NM_001273.5 (MANE Select); coding-DNA position 773, G replaced by A.
Protein change: p.Arg258His; replaces arginine 258 with histidine.
Molecular consequence: missense variant.
Genome position (GRCh38, 1-based): chr12:6,601,315, C>T on the plus strand (G>A on the coding strand, the complement: CHD4 is on the minus strand). VCF-style: chr12-6601315-C-T. GRCh37 (hg19) VCF-style: chr12-6710481-C-T.
Other names: c.752G>A, p.Arg251His (NM_001297553.2); c.773G>A, p.Arg258His (NM_001363606.2); short protein forms R251H, R258H.
Identifiers: ClinVar variation 3374707 (VCV003374707.2).
Genomic context (GRCh38, chr12:6,601,315, plus strand): 5'-AGACACCCCCACTCCCATTTGAACCCCATTTCACCTTTGCCCTCCTTGGTCTTGGCCTTG[C>T]GGATAGGCACCTCCACAGGGGGAGGTGGTGGTGCAACCTCAGTGGCTGTCACCATGCTCT-3'
Protein context (NP_001264.2, residues 248-268): PPPPPVEVPI[Arg258His]KAKTKEGKGP